The following is an entry in ClinVar:

NM_138413.4(HOGA1):c.908_912delinsACGCA (p.Arg303His)

Gene: HOGA1 (4-hydroxy-2-oxoglutarate aldolase 1; plus strand). Cytogenetic location: 10q24.2.
Variant type: Indel.
Coding change: c.908_912delinsACGCA on transcript NM_138413.4 (MANE Select); coding-DNA positions 908 to 912, GCGCC replaced by ACGCA.
Protein change: p.Arg303His; replaces arginine 303 with histidine.
Molecular consequence: missense variant.
Genome position (GRCh38, 1-based): chr10:97,611,583-97,611,587, GCGCC replaced by ACGCA. VCF-style: chr10-97611583-GCGCC-ACGCA. GRCh37 (hg19) VCF-style: chr10-99371340-GCGCC-ACGCA.
Other names: c.419_423delinsACGCA, p.Arg140His (NM_001134670.2); short protein forms R140H, R303H.
Identifiers: ClinVar variation 4759250 (VCV004759250.1).

ClinVar aggregate classification (germline): Likely pathogenic (1 of 4 stars; one submission).

Conditions:
Primary hyperoxaluria type 3. Also called: PH III. Identifiers: Orphanet 416, Orphanet 93600, MedGen C3150878, MONDO:0013327, OMIM 613616. Disease mechanism: loss of function.

Submission:

Variantyx, Inc.
Classification: Likely pathogenic for Primary hyperoxaluria type 3. Last evaluated: 2025-03-17. Review status: criteria provided, single submitter. Criteria: Variantyx Assertion Criteria 2022. Collection method: clinical testing. Allele origin: germline.
Comment: This is a nonsynonymous variant in the HOGA1 gene (OMIM: 613597). Pathogenic variants in this gene have been associated with autosomal recessive primary hyperoxaluria type III. This variant has been identified in the homozygous or compound heterozygous state in at least 18 individual(s) from the published literature (PMID:36260161) (PM3_Supporting). Alternate amino acid change(s) at this position (p.Arg303Cys, p.Arg303Gly) have been previously reported in similarly affected individuals, which suggests that this residue is biologically important (PMID: 36259736, 22391140) (PM5). Multiple computational algorithms predict a deleterious effect for this variant (REVEL score: 0.983) (PP3_Moderate). This variant has a 0.0217% maximum allele frequency in non-founder control populations (PM2_Supporting). Based on the current evidence, this variant is classified as likely pathogenic for autosomal recessive primary hyperoxaluria type III.